The following is an entry in ClinVar:

ClinVar aggregate classification (germline): Likely pathogenic (1 of 4 stars; one submission).

Conditions:
Autosomal recessive nonsyndromic hearing loss 23. Identifiers: Orphanet 90636, MedGen C1836027, MONDO:0012293, OMIM 609533.

Submission:

Institute of Rare Diseases, West China Hospital, Sichuan University
Classification: Likely pathogenic for Autosomal recessive nonsyndromic hearing loss 23. Last evaluated: 2025-01-09. Review status: criteria provided, single submitter. Criteria: ClinGen HL ACMG Specifications v1. Collection method: research. Allele origin: germline. Affected: yes.
Comment: PVS1;PM2_Supporting

NM_001384140.1(PCDH15):c.213dup (p.Thr72fs)

Gene: PCDH15 (protocadherin related 15; minus strand). Cytogenetic location: 10q21.1.
Variant type: Duplication.
Coding change: c.213dup on transcript NM_001384140.1 (MANE Select); coding-DNA position 213, one base duplicated (C; older notation c.213dupC).
Protein change: p.Thr72fs; shifts the reading frame from threonine 72.
Molecular consequence: frameshift variant.
Genome position (GRCh38, 1-based): chr10:54,378,887, G duplicated on the plus strand (C on the coding strand, the reverse complement: PCDH15 is on the minus strand); the first of 4 consecutive G bases (chr10:54,378,887-54,378,890); duplicating any one gives the same sequence. VCF-style (leftmost placement, unchanged base first): chr10-54378886-T-TG. GRCh37 (hg19) VCF-style: chr10-56138646-T-TG.
Other names: c.228dup, p.Thr77fs (NM_001142763.2, NM_001142771.2); c.213dup, p.Thr72fs (NM_001142764.2, NM_001142765.2, NM_001142766.2 and 8 more transcripts); c.147dup, p.Thr50fs (NM_001142768.2, NM_001142773.2, NM_001354404.2); c.225dup, p.Thr77Hisfs (NM_001142769.4); short protein forms T50fs, T72fs, T77fs.
Identifiers: ClinVar variation 3601612 (VCV003601612.1).
Genomic context (GRCh38, chr10:54,378,886, plus strand): 5'-GCTTAACAGGATCCATCAACACCCAGTAATCCACATTATCCTTTAAAGAAAGTTCTATGG[T>TG]GGGGTCTGGTCCTCCAGCAGTCCCTTTGATCAGCATGTTGTCCACCAGAATTGTACCTGC-3'